The following is an entry in ClinVar:

ClinVar aggregate classification (germline): Uncertain significance. Review status: criteria provided, multiple submitters, no conflicts (2 of 4 stars). 3 submissions from 3 submitters: Uncertain significance (3). Last evaluated 2026-10-01.

Conditions:
Inborn genetic diseases. Identifiers: MedGen C0950123, MeSH D030342.
Deafness-lymphedema-leukemia syndrome. Also called: Emberger syndrome; Lymphedema, primary, with myelodysplasia. Identifiers: Orphanet 3226, MedGen C3279664, MONDO:0013540, OMIM 614038.
Monocytopenia with susceptibility to infections. Also called: MONOCYTOPENIA AND MYCOBACTERIAL INFECTION SYNDROME; MONOCYTOPENIA WITH SUSCEPTIBILITY TO MYCOBACTERIAL, FUNGAL, AND PAPILLOMAVIRUS INFECTIONS AND MYELODYSPLASIA; COMBINED IMMUNODEFICIENCY WITH SUSCEPTIBILITY TO MYCOBACTERIAL, VIRAL, AND FUNGAL INFECTIONS; Dendritic cell, monocyte, B lymphocyte, and natural killer lymphocyte deficiency; IMMUNODEFICIENCY 21; GATA2 DEFICIENCY. Identifiers: Orphanet 228423, MedGen C3280030, MONDO:0013607, OMIM 614172.
Myelodysplastic syndrome (MDS). Also called: Myelodysplastic syndromes; MYELODYSPLASTIC SYNDROME, SUSCEPTIBILITY TO; Myelodysplastic syndrome, somatic. Identifiers: Orphanet 52688, MedGen C3463824, MeSH D009190, MONDO:0018881, OMIM 614286.

Submissions (3):

St. Jude Molecular Pathology, St. Jude Children's Research Hospital
Classification: Uncertain significance for Myelodysplastic syndrome. Last evaluated: 2026-10-01. Review status: criteria provided, single submitter. Criteria: St. Jude Assertion Criteria 2020. Collection method: clinical testing. Allele origin: germline.
Comment: The GATA2 c.832T>C p.(Phe278Leu) missense change is absent in gnomAD v2.1.1. The in silico tool REVEL predicts a deleterious effect on protein function, but to our knowledge this predict ion has not been confirmed by functional studies. To our knowledge, this variant has not been reported in individuals presenting with GATA2-associated phenotypes. In summary, the evidence currently available is insufficient to determine the clinical sign ificance of this variant. It has therefore been classified as of uncertain significance.

Ambry Genetics
Classification: Uncertain significance for Inborn genetic diseases. Last evaluated: 2024-11-26. Review status: criteria provided, single submitter. Criteria: Ambry Variant Classification Scheme 2023. Collection method: clinical testing. Allele origin: germline.
Comment: The p.F278L variant (also known as c.832T>C), located in coding exon 2 of the GATA2 gene, results from a T to C substitution at nucleotide position 832. The phenylalanine at codon 278 is replaced by leucine, an amino acid with highly similar properties. This amino acid position is conserved. In addition, this alteration is predicted to be deleterious by in silico analysis. Based on the available evidence, the clinical significance of this variant remains unclear.

Labcorp Genetics (formerly Invitae), Labcorp
Classification: Uncertain significance for Monocytopenia with susceptibility to infections; Deafness-lymphedema-leukemia syndrome. Last evaluated: 2022-02-25. Review status: criteria provided, single submitter. Criteria: Invitae Variant Classification Sherloc (09022015). Collection method: clinical testing. Allele origin: germline.
Comment: This sequence change replaces phenylalanine, which is neutral and non-polar, with leucine, which is neutral and non-polar, at codon 278 of the GATA2 protein (p.Phe278Leu). This variant is not present in population databases (gnomAD no frequency). This variant has not been reported in the literature in individuals affected with GATA2-related conditions. Advanced modeling of protein sequence and biophysical properties (such as structural, functional, and spatial information, amino acid conservation, physicochemical variation, residue mobility, and thermodynamic stability) performed at Invitae indicates that this missense variant is not expected to disrupt GATA2 protein function. In summary, the available evidence is currently insufficient to determine the role of this variant in disease. Therefore, it has been classified as a Variant of Uncertain Significance.

NM_032638.5(GATA2):c.832T>C (p.Phe278Leu)

Gene: GATA2 (GATA binding protein 2; minus strand). Cytogenetic location: 3q21.3.
Variant type: single nucleotide variant.
Coding change: c.832T>C on transcript NM_032638.5 (MANE Select); coding-DNA position 832, T replaced by C.
Protein change: p.Phe278Leu; replaces phenylalanine 278 with leucine.
Molecular consequence: missense variant.
Genome position (GRCh38, 1-based): chr3:128,485,766, A>G on the plus strand (T>C on the coding strand, the complement: GATA2 is on the minus strand). VCF-style: chr3-128485766-A-G. GRCh37 (hg19) VCF-style: chr3-128204609-A-G.
Other names: c.832T>C, p.Phe278Leu (NM_001145661.2, NM_001145662.1); short protein forms F278L.
Identifiers: ClinVar variation 2201470 (VCV002201470.6), dbSNP rs1449079964, ClinGen allele CA354405770.